The following is an entry in ClinVar:

ClinVar aggregate classification (germline): Uncertain significance. Review status: criteria provided, multiple submitters, no conflicts (2 of 4 stars). 5 submissions from 5 submitters: Uncertain significance (5). Last evaluated 2024-11-08.

Conditions:
Hereditary cancer-predisposing syndrome. Also called: Tumor predisposition; Hereditary Cancer Syndrome; Neoplastic Syndromes, Hereditary; Hereditary neoplastic syndrome. Identifiers: Orphanet 140162, MedGen C0027672, MeSH D009386, MONDO:0015356.
Peutz-Jeghers syndrome (PJS). Also called: POLYPOSIS, HAMARTOMATOUS INTESTINAL; POLYPS-AND-SPOTS SYNDROME; Peutz-Jeghers polyposis; Periorificial lentiginosis syndrome. Identifiers: Orphanet 2869, MedGen C0031269, MeSH D010580, MONDO:0008280, OMIM 175200.

gnomAD v4.1: 6 of 1,562,262 alleles (0.00038%); highest among the groups gnomAD compares: Non-Finnish European, 0.00052%; no homozygotes.

Submissions (5):

Ambry Genetics
Classification: Uncertain significance for Hereditary cancer-predisposing syndrome. Last evaluated: 2024-11-08. Review status: criteria provided, single submitter. Criteria: Ambry Variant Classification Scheme 2023. Collection method: clinical testing. Allele origin: germline.
Comment: The p.Y292F variant (also known as c.875A>T), located in coding exon 7 of the STK11 gene, results from an A to T substitution at nucleotide position 875. The tyrosine at codon 292 is replaced by phenylalanine, an amino acid with highly similar properties. This amino acid position is highly conserved in available vertebrate species. In addition, the in silico prediction for this alteration is inconclusive. Based on the available evidence, the clinical significance of this variant remains unclear.

Labcorp Genetics (formerly Invitae), Labcorp
Classification: Uncertain significance for Peutz-Jeghers syndrome. Last evaluated: 2024-06-14. Review status: criteria provided, single submitter. Criteria: Invitae Variant Classification Sherloc (09022015). Collection method: clinical testing. Allele origin: germline.
Comment: This sequence change replaces tyrosine, which is neutral and polar, with phenylalanine, which is neutral and non-polar, at codon 292 of the STK11 protein (p.Tyr292Phe). This variant is present in population databases (rs587780011, gnomAD 0.003%). This variant has not been reported in the literature in individuals affected with STK11-related conditions. ClinVar contains an entry for this variant (Variation ID: 127706). Advanced modeling of protein sequence and biophysical properties (such as structural, functional, and spatial information, amino acid conservation, physicochemical variation, residue mobility, and thermodynamic stability) performed at Invitae indicates that this missense variant is not expected to disrupt STK11 protein function with a negative predictive value of 95%. In summary, the available evidence is currently insufficient to determine the role of this variant in disease. Therefore, it has been classified as a Variant of Uncertain Significance.

All of Us Research Program, National Institutes of Health
Classification: Uncertain significance for Peutz-Jeghers syndrome. Last evaluated: 2023-10-06. Review status: criteria provided, single submitter. Criteria: ACMG Guidelines, 2015. Collection method: clinical testing. Allele origin: germline. Inheritance: Autosomal dominant inheritance. Observed: 2 variant alleles, 2 heterozygotes.
Comment: This missense variant replaces tyrosine with phenylalanine at codon 292 of the STK11 protein. Computational prediction suggests that this variant may not impact protein structure and function (internally defined REVEL score threshold <= 0.5, PMID: 27666373). To our knowledge, functional studies have not been reported for this variant. This variant has not been reported in individuals affected with STK11-related disorders in the literature. This variant has been identified in 2/170906 chromosomes in the general population by the Genome Aggregation Database (gnomAD). The available evidence is insufficient to determine the role of this variant in disease conclusively. Therefore, this variant is classified as a Variant of Uncertain Significance.

This study involves interpretation of variants in research participants for the purpose of population health screening. Participant phenotype was not available at the time of variant classification. Additional details can be found in publication PMID: 35346344, PMCID: PMC8962531

Genome-Nilou Lab
Classification: Uncertain significance for Peutz-Jeghers syndrome. Last evaluated: 2021-07-15. Review status: criteria provided, single submitter. Criteria: ACMG Guidelines, 2015. Collection method: clinical testing. Allele origin: germline. Affected: no.

GeneDx
Classification: Uncertain significance. Last evaluated: 2014-02-26. Review status: criteria provided, single submitter. Criteria: GeneDx Variant Classification (06012015). Collection method: clinical testing. Allele origin: germline. Affected: yes.
Comment: This variant is denoted STK11 c.875A>T at the cDNA level, p.Tyr292Phe (Y292F) at the protein level, and results in the change of a Tyrosine to a Phenylalanine (TAC>TTC). This variant has not, to our knowledge, been published in the literature as pathogenic or benign. STK11 Tyr292Phe was not observed in approximately 6,500 individuals of European and African American ancestry in the NHLBI Exome Sequencing Project, indicating it is not a common benign variant in these populations. Since Tyrosine and Phenylalanine differ in polarity, charge, size or other properties, this is considered a non-conservative amino acid substitution and is likely to affect protein integrity. STK11 Tyr292Phe occurs at a position that is well conserved across species and is located in the Protein Kinase domain (UniProt). In silico analyses are inconsistent regarding the effect this variant may have on protein structure and function. Based on currently available information, it is unclear whether STK11 Tyr292Phe is pathogenic or benign. We consider it to be a variant of uncertain significance.

NM_000455.5(STK11):c.875A>T (p.Tyr292Phe)

Gene: STK11 (serine/threonine kinase 11; plus strand). Cytogenetic location: 19p13.3.
Variant type: single nucleotide variant.
Coding change: c.875A>T on transcript NM_000455.5 (MANE Select); coding-DNA position 875, A replaced by T.
Protein change: p.Tyr292Phe; replaces tyrosine 292 with phenylalanine.
Molecular consequence: missense variant.
Genome position (GRCh38, 1-based): chr19:1,221,961, A>T. VCF-style: chr19-1221961-A-T. GRCh37 (hg19) VCF-style: chr19-1221960-A-T.
Other names: p.Y292F:TAC>TTC; short protein forms Y292F.
Identifiers: ClinVar variation 127706 (VCV000127706.21), dbSNP rs587780011, ClinGen allele CA023316.